The following is an entry in ClinVar:

ClinVar aggregate classification (germline): Uncertain significance (1 of 4 stars; one submission).

Submission:

Labcorp Genetics (formerly Invitae), Labcorp
Classification: Uncertain significance. Last evaluated: 2022-05-10. Review status: criteria provided, single submitter. Criteria: Invitae Variant Classification Sherloc (09022015). Collection method: clinical testing. Allele origin: germline.
Comment: In summary, the available evidence is currently insufficient to determine the role of this variant in disease. Therefore, it has been classified as a Variant of Uncertain Significance. Advanced modeling of protein sequence and biophysical properties (such as structural, functional, and spatial information, amino acid conservation, physicochemical variation, residue mobility, and thermodynamic stability) performed at Invitae indicates that this missense variant is not expected to disrupt ROBO1 protein function. This variant has not been reported in the literature in individuals affected with ROBO1-related conditions. This variant is not present in population databases (gnomAD no frequency). This sequence change replaces threonine, which is neutral and polar, with isoleucine, which is neutral and non-polar, at codon 944 of the ROBO1 protein (p.Thr944Ile).

NM_002941.4(ROBO1):c.2831C>T (p.Thr944Ile)

Gene: ROBO1 (roundabout guidance receptor 1; minus strand). Cytogenetic location: 3p12.3.
Variant type: single nucleotide variant.
Coding change: c.2831C>T on transcript NM_002941.4 (MANE Select); coding-DNA position 2831, C replaced by T.
Protein change: p.Thr944Ile; replaces threonine 944 with isoleucine.
Molecular consequence: missense variant. On other transcripts: intron variant (2).
Genome position (GRCh38, 1-based): chr3:78,647,637, G>A on the plus strand (C>T on the coding strand, the complement: ROBO1 is on the minus strand). VCF-style: chr3-78647637-G-A. GRCh37 (hg19) VCF-style: chr3-78696787-G-A.
Other names: c.2705-1447C>T (NM_001145845.2, NM_133631.4); short protein forms T944I.
Identifiers: ClinVar variation 1992769 (VCV001992769.4), dbSNP rs2471992747, ClinGen allele CA353657678.